The following is an entry in ClinVar:

ClinVar aggregate classification (germline): Uncertain significance. Review status: criteria provided, multiple submitters, no conflicts (2 of 4 stars). 2 submissions from 2 submitters: Uncertain significance (2). Last evaluated 2024-11-15.

Conditions:
VPS13B-related disorder. Also called: VPS13B-related condition.
Cohen syndrome (COH1). Also called: Cutis verticis gyrata, retinitis pigmentosa, and sensorineural deafness; PEPPER SYNDROME. Identifiers: Orphanet 193, MedGen C0265223, MONDO:0008999, OMIM 216550.

Allele frequency attached by ClinVar (database versions not stated): gnomAD exomes below 0.00001.
gnomAD v4.1: 1 of 1,613,792 alleles (0.000062%); highest among the groups gnomAD compares: Non-Finnish European, 0.000085%; no homozygotes.

Submissions (2):

PreventionGenetics, part of Exact Sciences
Classification: Uncertain significance for VPS13B-related condition. Last evaluated: 2024-11-15. Review status: criteria provided, single submitter. Criteria: ACMG Guidelines, 2015. Collection method: clinical testing. Allele origin: germline.
Comment: The VPS13B c.1954A>G variant is predicted to result in the amino acid substitution p.Ile652Val. To our knowledge, this variant has not been reported in the literature. This variant is reported in 0.00088% of alleles in individuals of European (Non-Finnish) descent in gnomAD. At this time, the clinical significance of this variant is uncertain due to the absence of conclusive functional and genetic evidence.

Labcorp Genetics (formerly Invitae), Labcorp
Classification: Uncertain significance for Cohen syndrome. Last evaluated: 2021-09-02. Review status: criteria provided, single submitter. Criteria: Invitae Variant Classification Sherloc (09022015). Collection method: clinical testing. Allele origin: germline.
Comment: This sequence change replaces isoleucine with valine at codon 652 of the VPS13B protein (p.Ile652Val). The isoleucine residue is weakly conserved and there is a small physicochemical difference between isoleucine and valine. This variant is not present in population databases (ExAC no frequency). This variant has not been reported in the literature in individuals affected with VPS13B-related conditions. Algorithms developed to predict the effect of missense changes on protein structure and function output the following: SIFT: "Not Available"; PolyPhen-2: "Benign"; Align-GVGD: "Not Available". The valine amino acid residue is found in multiple mammalian species, which suggests that this missense change does not adversely affect protein function. Algorithms developed to predict the effect of sequence changes on RNA splicing suggest that this variant may create or strengthen a splice site. In summary, the available evidence is currently insufficient to determine the role of this variant in disease. Therefore, it has been classified as a Variant of Uncertain Significance.

NM_152564.5(VPS13B):c.1954A>G (p.Ile652Val)

Gene: VPS13B (vacuolar protein sorting 13 homolog B; plus strand). Cytogenetic location: 8q22.2.
Variant type: single nucleotide variant.
Coding change: c.1954A>G on transcript NM_152564.5 (MANE Select); coding-DNA position 1954, A replaced by G.
Protein change: p.Ile652Val; replaces isoleucine 652 with valine.
Molecular consequence: missense variant.
Genome position (GRCh38, 1-based): chr8:99,147,951, A>G. VCF-style: chr8-99147951-A-G. GRCh37 (hg19) VCF-style: chr8-100160179-A-G.
Other names: c.1954A>G (NM_152564.4); c.1954A>G, p.Ile652Val (NM_015243.3, NM_017890.5); short protein forms I652V.
Identifiers: ClinVar variation 1400291 (VCV001400291.4), dbSNP rs886062537, ClinGen allele CA371864457.